The following is an entry in ClinVar:

NM_018194.6(HHAT):c.587C>T (p.Ser196Leu)

Gene: HHAT (hedgehog acyltransferase; plus strand). Cytogenetic location: 1q32.2.
Variant type: single nucleotide variant.
Coding change: c.587C>T on transcript NM_018194.6 (MANE Select); coding-DNA position 587, C replaced by T.
Protein change: p.Ser196Leu; replaces serine 196 with leucine.
Molecular consequence: missense variant. On other transcripts: intron variant (1).
Genome position (GRCh38, 1-based): chr1:210,404,582, C>T. VCF-style: chr1-210404582-C-T. GRCh37 (hg19) VCF-style: chr1-210577926-C-T.
Other names: c.587C>T, p.Ser196Leu (NM_001122834.4, NM_001170580.3); c.590C>T, p.Ser197Leu (NM_001170587.3); c.392C>T, p.Ser131Leu (NM_001170588.3); c.274-13572C>T (NM_001170564.3); short protein forms S196L, S197L, S131L.
Identifiers: ClinVar variation 1512569 (VCV001512569.6), dbSNP rs376601925, ClinGen allele CA36777109.

ClinVar aggregate classification (germline): Uncertain significance (1 of 4 stars; one submission).

Allele frequency attached by ClinVar (database versions not stated): gnomAD exomes below 0.00001; TOPMed 0.00001; ESP Exome Variant Server 0.00008.
gnomAD v4.1: 4 of 1,613,930 alleles (0.00025%); highest among the groups gnomAD compares: Non-Finnish European, 0.00025%; no homozygotes.

Submission:

Labcorp Genetics (formerly Invitae), Labcorp
Classification: Uncertain significance. Last evaluated: 2021-09-28. Review status: criteria provided, single submitter. Criteria: Invitae Variant Classification Sherloc (09022015). Collection method: clinical testing. Allele origin: germline.
Comment: Algorithms developed to predict the effect of missense changes on protein structure and function (SIFT, PolyPhen-2, Align-GVGD) all suggest that this variant is likely to be tolerated. In summary, the available evidence is currently insufficient to determine the role of this variant in disease. Therefore, it has been classified as a Variant of Uncertain Significance. This variant has not been reported in the literature in individuals affected with HHAT-related conditions. This variant is not present in population databases (ExAC no frequency). This sequence change replaces serine with leucine at codon 196 of the HHAT protein (p.Ser196Leu). The serine residue is weakly conserved and there is a large physicochemical difference between serine and leucine.